The following is an entry in ClinVar:

NM_080911.3(UNG):c.415C>A (p.Gln139Lys)

Gene: UNG (uracil DNA glycosylase; plus strand). Cytogenetic location: 12q24.11.
Variant type: single nucleotide variant.
Coding change: c.415C>A on transcript NM_080911.3 (MANE Select); coding-DNA position 415, C replaced by A.
Protein change: p.Gln139Lys; replaces glutamine 139 with lysine.
Molecular consequence: missense variant.
Genome position (GRCh38, 1-based): chr12:109,099,264, C>A. VCF-style: chr12-109099264-C-A. GRCh37 (hg19) VCF-style: chr12-109537069-C-A.
Other names: c.388C>A, p.Gln130Lys (NM_003362.4); short protein forms Q130K, Q139K.
Identifiers: ClinVar variation 961605 (VCV000961605.8), dbSNP rs766218046, ClinGen allele CA6772605.

ClinVar aggregate classification (germline): Uncertain significance. Review status: criteria provided, multiple submitters, no conflicts (2 of 4 stars). 3 submissions from 3 submitters: Uncertain significance (3). Last evaluated 2024-11-04.

Conditions:
Hyper-IgM syndrome type 5 (HIGM5). Also called: Hyper-IgM Immunodeficiency Syndrome, Type 5. Identifiers: Orphanet 101092, MedGen C1720958, MONDO:0011971, OMIM 608106.

Allele frequency attached by ClinVar (database versions not stated): TOPMed 0.00003; gnomAD 0.00004 and 0.00007; gnomAD exomes 0.00010 and 0.00011; ExAC 0.00013.

Submissions (3):

Labcorp Genetics (formerly Invitae), Labcorp
Classification: Uncertain significance for Hyper-IgM syndrome type 5. Last evaluated: 2024-11-04. Review status: criteria provided, single submitter. Criteria: Invitae Variant Classification Sherloc (09022015). Collection method: clinical testing. Allele origin: germline.
Comment: This sequence change replaces glutamine, which is neutral and polar, with lysine, which is basic and polar, at codon 139 of the UNG protein (p.Gln139Lys). This variant is present in population databases (rs766218046, gnomAD 0.04%). This variant has not been reported in the literature in individuals affected with UNG-related conditions. ClinVar contains an entry for this variant (Variation ID: 961605). Invitae Evidence Modeling of protein sequence and biophysical properties (such as structural, functional, and spatial information, amino acid conservation, physicochemical variation, residue mobility, and thermodynamic stability) indicates that this missense variant is not expected to disrupt UNG protein function with a negative predictive value of 80%. In summary, the available evidence is currently insufficient to determine the role of this variant in disease. Therefore, it has been classified as a Variant of Uncertain Significance.

Blueprint Genetics
Classification: Uncertain significance. Last evaluated: 2024-11-01. Review status: criteria provided, single submitter. Criteria: ACMG Guidelines, 2015. Collection method: clinical testing. Allele origin: germline.

ARUP Laboratories, Molecular Genetics and Genomics, ARUP Laboratories
Classification: Uncertain significance for Hyper-IgM syndrome type 5. Last evaluated: 2024-10-23. Review status: criteria provided, single submitter. Criteria: ARUP Molecular Germline Variant Investigation Process 2024. Collection method: clinical testing. Allele origin: germline.
Comment: The UNG c.415C>A;p.Gln139Lys variant (rs766218046), to our knowledge, is not reported in the medical literature but is reported in ClinVar (Variation ID: 961605). This variant is found in the general population with an overall allele frequency of 0.01% (27/251438 alleles) in the Genome Aggregation Database (v2.1.1). Computational analyses are uncertain whether this variant is neutral or deleterious (REVEL: 0.223). Due to limited information, the clinical significance of this variant is uncertain at this time.